The following is an entry in ClinVar:

NM_001039592.2(SPAG8):c.618C>T (p.Asp206=)

Gene: SPAG8 (sperm associated antigen 8; minus strand). Cytogenetic location: 9p13.3.
Variant type: single nucleotide variant.
Coding change: c.618C>T on transcript NM_001039592.2 (MANE Select); coding-DNA position 618, C replaced by T.
Protein change: p.Asp206=; no amino-acid change (aspartic acid 206 retained).
Molecular consequence: synonymous variant. On other transcripts: non-coding transcript variant (1).
Genome position (GRCh38, 1-based): chr9:35,811,428, G>A on the plus strand (C>T on the coding strand, the complement: SPAG8 is on the minus strand). VCF-style: chr9-35811428-G-A. GRCh37 (hg19) VCF-style: chr9-35811425-G-A.
Other names: c.618C>T, p.Asp206= (NM_001366760.2, NM_172312.2).
Identifiers: ClinVar variation 92034 (VCV000092034.2), dbSNP rs386352365, ClinGen allele CA232394.

ClinVar aggregate classification (germline): Uncertain significance (0 of 4 stars; one submission).

Allele frequency attached by ClinVar (database versions not stated): gnomAD exomes below 0.00001.

Submission:

Richard Lifton Laboratory, Yale University School of Medicine
Classification: Uncertain significance. Review status: no assertion criteria provided. Collection method: not provided. Allele origin: somatic.
Comment: SPAG8
ClinVar note: Converted during submission from unknown to Uncertain significance.